The following is an entry in ClinVar:

ClinVar aggregate classification (germline): Uncertain significance (0 of 4 stars; one submission).

Conditions:
INVS-related disorder. Also called: INVS-related condition.

Submission:

PreventionGenetics, part of Exact Sciences
Classification: Uncertain significance for INVS-related condition. Last evaluated: 2024-09-06. Review status: no assertion criteria provided. Collection method: clinical testing. Allele origin: germline.
Comment: The INVS c.1393T>C variant is predicted to result in the amino acid substitution p.Tyr465His. To our knowledge, this variant has not been reported in the literature or in a large population database, indicating this variant is rare. At this time, the clinical significance of this variant is uncertain due to the absence of conclusive functional and genetic evidence.

NM_014425.5(INVS):c.1393T>C (p.Tyr465His)

Gene: INVS (inversin; plus strand). Cytogenetic location: 9q31.1.
Variant type: single nucleotide variant.
Coding change: c.1393T>C on transcript NM_014425.5 (MANE Select); coding-DNA position 1393, T replaced by C.
Protein change: p.Tyr465His; replaces tyrosine 465 with histidine.
Molecular consequence: missense variant. On other transcripts: non-coding transcript variant (1).
Genome position (GRCh38, 1-based): chr9:100,253,065, T>C. VCF-style: chr9-100253065-T-C. GRCh37 (hg19) VCF-style: chr9-103015347-T-C.
Other names: c.1105T>C, p.Tyr369His (NM_001318381.2); c.415T>C, p.Tyr139His (NM_001318382.2); short protein forms Y139H, Y369H, Y465H.
Identifiers: ClinVar variation 3348199 (VCV003348199.1).
Genomic context (GRCh38, chr9:100,253,065, plus strand): 5'-AATAAGATCAATCCAAATGTCCAGGATTATGCAGGAAGAACCCCTTTGCAGTGTGCAGCA[T>C]ATGGAGGCTATATCAACTGCATGGCAGTTCTCATGGAAAACAATGCAGACCCTAACATTC-3'
Protein context (NP_055240.2, residues 455-475): AGRTPLQCAA[Tyr465His]GGYINCMAVL